The following is an entry in ClinVar:

NM_000254.3(MTR):c.2406-2A>T

Gene: MTR (5-methyltetrahydrofolate-homocysteine methyltransferase; plus strand). Cytogenetic location: 1q43.
Variant type: single nucleotide variant.
Coding change: c.2406-2A>T on transcript NM_000254.3 (MANE Select); the canonical splice acceptor site of the intron before coding-DNA position 2406, A replaced by T.
Molecular consequence: splice acceptor variant. On other transcripts: intron variant (1).
Genome position (GRCh38, 1-based): chr1:236,873,771, A>T. VCF-style: chr1-236873771-A-T. GRCh37 (hg19) VCF-style: chr1-237037071-A-T.
Other names: c.1185-2A>T (NM_001291940.2); c.2253-2A>T (NM_001291939.1); c.2406-6984A>T (NM_001410942.1).
Identifiers: ClinVar variation 2983703 (VCV002983703.3), dbSNP rs2528336317, ClinGen allele CA345380930.

ClinVar aggregate classification (germline): Likely pathogenic (1 of 4 stars; one submission).

Conditions:
Methylcobalamin deficiency type cblG (HMAG). Also called: Functional methionine synthase deficiency type cblG; HOMOCYSTINURIA-MEGALOBLASTIC ANEMIA, cblG TYPE; HOMOCYSTINURIA-MEGALOBLASTIC ANEMIA DUE TO DEFECT IN COBALAMIN METABOLISM, cblG COMPLEMENTATION TYPE; HOMOCYSTINURIA-MEGALOBLASTIC ANEMIA, cblG COMPLEMENTATION TYPE. Identifiers: Orphanet 2170, Orphanet 622, MedGen C1855128, MONDO:0009609, OMIM 250940.

Submission:

Labcorp Genetics (formerly Invitae), Labcorp
Classification: Likely pathogenic for Methylcobalamin deficiency type cblG. Last evaluated: 2023-05-30. Review status: criteria provided, single submitter. Criteria: Invitae Variant Classification Sherloc (09022015). Collection method: clinical testing. Allele origin: germline.
Comment: This variant is not present in population databases (gnomAD no frequency). This variant has not been reported in the literature in individuals affected with MTR-related conditions. Algorithms developed to predict the effect of sequence changes on RNA splicing suggest that this variant may disrupt the consensus splice site. In summary, the currently available evidence indicates that the variant is pathogenic, but additional data are needed to prove that conclusively. Therefore, this variant has been classified as Likely Pathogenic. This sequence change affects an acceptor splice site in intron 22 of the MTR gene. It is expected to disrupt RNA splicing. Variants that disrupt the donor or acceptor splice site typically lead to a loss of protein function (PMID: 16199547), and loss-of-function variants in MTR are known to be pathogenic (PMID: 9683607, 12068375).

Literature cited by the submitters: PubMed 16199547; PubMed 9683607; PubMed 12068375.